The following is an entry in ClinVar:

ClinVar aggregate classification (germline): Likely benign. Review status: criteria provided, multiple submitters, no conflicts (2 of 4 stars). 5 submissions from 5 submitters: Likely benign (4). 1 of the submissions does not count toward it. Last evaluated 2026-01-05.

Conditions:
SKI-related disorder. Also called: SKI-related condition.
Familial thoracic aortic aneurysm and aortic dissection (TAAD). Also called: Thoracic aortic aneurysms and dissections. Identifiers: Orphanet 91387, MedGen C4707243, MONDO:0019625.
Shprintzen-Goldberg syndrome (SGS). Also called: CRANIOSYNOSTOSIS WITH ARACHNODACTYLY AND ABDOMINAL HERNIAS; SHPRINTZEN-GOLDBERG CRANIOSYNOSTOSIS SYNDROME; Marfanoid disorder with craniosynostosis type 1; Marfanoid craniosynostosis syndrome; Shprintzen-Goldberg marfanoid syndrome. Identifiers: Orphanet 2462, MedGen C1321551, MONDO:0008426, OMIM 182212.

Allele frequency attached by ClinVar (database versions not stated): gnomAD 0.00006 and 0.00007; gnomAD exomes 0.00017; TOPMed 0.00031; ExAC 0.00034; 1000 Genomes Project 30x 0.00047; 1000 Genomes Project 0.00060.
gnomAD v4.1: 129 of 1,591,330 alleles (0.0081%); highest among the groups gnomAD compares: East Asian, 0.25%; no homozygotes.

Submissions (5):

Labcorp Genetics (formerly Invitae), Labcorp
Classification: Likely benign for Shprintzen-Goldberg syndrome. Last evaluated: 2026-01-05. Review status: criteria provided, single submitter. Criteria: Invitae Variant Classification Sherloc (09022015). Collection method: clinical testing. Allele origin: germline.

Blueprint Genetics
Classification: Likely benign. Last evaluated: 2023-04-19. Review status: criteria provided, single submitter. Criteria: ACMG Guidelines, 2015. Collection method: clinical testing. Allele origin: germline.

Ambry Genetics
Classification: Likely benign for Familial thoracic aortic aneurysm and aortic dissection. Last evaluated: 2022-07-17. Review status: criteria provided, single submitter. Criteria: Ambry Variant Classification Scheme 2023. Collection method: clinical testing. Allele origin: germline.

ARUP Laboratories, Molecular Genetics and Genomics, ARUP Laboratories
Classification: Likely benign. Last evaluated: 2018-05-03. Review status: criteria provided, single submitter. Criteria: ARUP Molecular Germline Variant Investigation Process. Collection method: clinical testing. Allele origin: germline.
Comment: The SKI c.1923G>A; p.Leu641Leu variant (rs199666240, ClinVar variant ID 520149) does not alter the amino acid sequence of the SKI protein and computational splice site prediction algorithms do not predict a change in the nearest splice site or creation of a cryptic splice site. This variant has not been reported in association with cardiac disease in medical literature or in gene specific variation databases. This variant is listed in the genome Aggregation Database (gnomAD) with an overall population frequency of 0.2% (identified on 36 out of 16,172 chromosomes). Based on the available information, the c.1923G>A variant is likely to be benign.

PreventionGenetics, part of Exact Sciences
Classification: Likely benign for SKI-related condition. Last evaluated: 2019-11-04. Review status: no assertion criteria provided. Collection method: clinical testing. Allele origin: germline. Not counted in ClinVar's aggregate classification.
Comment: This variant is classified as likely benign based on ACMG/AMP sequence variant interpretation guidelines (Richards et al. 2015 PMID: 25741868, with internal and published modifications).

NM_003036.4(SKI):c.1923G>A (p.Leu641=)

Gene: SKI (SKI proto-oncogene; plus strand). Cytogenetic location: 1p36.32.
Variant type: single nucleotide variant.
Coding change: c.1923G>A on transcript NM_003036.4 (MANE Select); coding-DNA position 1923, G replaced by A.
Protein change: p.Leu641=; no amino-acid change (leucine 641 retained).
Molecular consequence: synonymous variant.
Genome position (GRCh38, 1-based): chr1:2,306,175, G>A. VCF-style: chr1-2306175-G-A. GRCh37 (hg19) VCF-style: chr1-2237614-G-A.
Identifiers: ClinVar variation 699589 (VCV000699589.23), dbSNP rs199666240, ClinGen allele CA536832.